The following is an entry in ClinVar:

NM_004667.6(HERC2):c.5620A>T (p.Met1874Leu)

Gene: HERC2 (HECT and RLD domain containing E3 ubiquitin protein ligase 2; minus strand). Cytogenetic location: 15q13.1.
Variant type: single nucleotide variant.
Coding change: c.5620A>T on transcript NM_004667.6 (MANE Select); coding-DNA position 5620, A replaced by T.
Protein change: p.Met1874Leu; replaces methionine 1874 with leucine.
Molecular consequence: missense variant.
Genome position (GRCh38, 1-based): chr15:28,222,060, T>A on the plus strand (A>T on the coding strand, the complement: HERC2 is on the minus strand). VCF-style: chr15-28222060-T-A. GRCh37 (hg19) VCF-style: chr15-28467206-T-A.
Other names: short protein forms M1874L.
Identifiers: ClinVar variation 1320515 (VCV001320515.2), dbSNP rs1032312945, ClinGen allele CA267902099.

ClinVar aggregate classification (germline): Uncertain significance (1 of 4 stars; one submission).

Allele frequency attached by ClinVar (database versions not stated): gnomAD 0.00001.

Submission:

GeneDx
Classification: Uncertain significance. Last evaluated: 2019-04-29. Review status: criteria provided, single submitter. Criteria: GeneDx Variant Classification Process June 2021. Collection method: clinical testing. Allele origin: germline. Affected: yes.
Comment: Has not been previously published as pathogenic or benign to our knowledge; Not observed in large population cohorts (Lek et al., 2016); In silico analysis, which includes protein predictors and evolutionary conservation, supports that this variant does not alter protein structure/function